The following is an entry in ClinVar:

ClinVar aggregate classification (germline): Uncertain significance (1 of 4 stars; one submission).

Conditions:
Cystic fibrosis (CF). Also called: MUCOVISCIDOSIS. Identifiers: Orphanet 586, MedGen C0010674, MONDO:0009061, OMIM 219700. Disease mechanism: loss of function.

Submission:

Ambry Genetics
Classification: Uncertain significance for Cystic fibrosis. Last evaluated: 2022-07-19. Review status: criteria provided, single submitter. Criteria: Ambry Variant Classification Scheme 2023. Collection method: clinical testing. Allele origin: germline.
Comment: The p.F630L variant (also known as c.1888T>C), located in coding exon 14 of the CFTR gene, results from a T to C substitution at nucleotide position 1888. The phenylalanine at codon 630 is replaced by leucine, an amino acid with highly similar properties. This amino acid position is conserved. In addition, this alteration is predicted to be deleterious by in silico analysis. Since supporting evidence is limited at this time, the clinical significance of this alteration remains unclear.

NM_000492.4(CFTR):c.1888T>C (p.Phe630Leu)

Gene: CFTR (CF transmembrane conductance regulator; plus strand). Cytogenetic location: 7q31.2.
Variant type: single nucleotide variant.
Coding change: c.1888T>C on transcript NM_000492.4 (MANE Select); coding-DNA position 1888, T replaced by C.
Protein change: p.Phe630Leu; replaces phenylalanine 630 with leucine.
Molecular consequence: missense variant.
Genome position (GRCh38, 1-based): chr7:117,592,055, T>C. VCF-style: chr7-117592055-T-C. GRCh37 (hg19) VCF-style: chr7-117232109-T-C.
Other names: short protein forms F630L.
Identifiers: ClinVar variation 1782018 (VCV001782018.2), dbSNP rs2485109341, ClinGen allele CA368978636.
Genomic context (GRCh38, chr7:117,592,055, plus strand): 5'-TTAAAGAAAGCTGACAAAATATTAATTTTGCATGAAGGTAGCAGCTATTTTTATGGGACA[T>C]TTTCAGAACTCCAAAATCTACAGCCAGACTTTAGCTCAAAACTCATGGGATGTGATTCTT-3'
Protein context (NP_000483.3, residues 620-640): HEGSSYFYGT[Phe630Leu]SELQNLQPDF